The following is an entry in ClinVar:

NM_020693.4(DSCAML1):c.2785+5G>T

Gene: DSCAML1 (DS cell adhesion molecule like 1; minus strand). Cytogenetic location: 11q23.3.
Variant type: single nucleotide variant.
Coding change: c.2785+5G>T on transcript NM_020693.4 (MANE Select); 5 bases into the intron after coding-DNA position 2785, G replaced by T.
Molecular consequence: intron variant.
Genome position (GRCh38, 1-based): chr11:117,480,438, C>A on the plus strand (G>T on the coding strand, the complement: DSCAML1 is on the minus strand). VCF-style: chr11-117480438-C-A. GRCh37 (hg19) VCF-style: chr11-117351153-C-A.
Other names: c.2785+5G>T (NM_001367904.1).
Identifiers: ClinVar variation 3642966 (VCV003642966.2).
Genomic context (GRCh38, chr11:117,480,438, plus strand): 5'-GGCAGGACACGTGGCACAAGGGGCCATGGCAGGCCACGCTGTCACCCTCCTGGCCCAGCG[C>A]CTACCTGATTTGTTCTTGTATTCAATGTCGAAGCCCGTGATGATGCTGTTCCCGTCGAAT-3'

ClinVar aggregate classification (germline): Uncertain significance (1 of 4 stars; one submission).

Submission:

Labcorp Genetics (formerly Invitae), Labcorp
Classification: Uncertain significance. Last evaluated: 2024-02-23. Review status: criteria provided, single submitter. Criteria: Invitae Variant Classification Sherloc (09022015). Collection method: clinical testing. Allele origin: germline.
Comment: This sequence change falls in intron 14 of the DSCAML1 gene. It does not directly change the encoded amino acid sequence of the DSCAML1 protein. It affects a nucleotide within the consensus splice site. This variant is not present in population databases (gnomAD no frequency). This variant has not been reported in the literature in individuals affected with DSCAML1-related conditions. Variants that disrupt the consensus splice site are a relatively common cause of aberrant splicing (PMID: 17576681, 9536098). Algorithms developed to predict the effect of sequence changes on RNA splicing suggest that this variant is not likely to affect RNA splicing. In summary, the available evidence is currently insufficient to determine the role of this variant in disease. Therefore, it has been classified as a Variant of Uncertain Significance.

Literature cited by the submitters: PubMed 17576681; PubMed 9536098.